The following is an entry in ClinVar:

ClinVar aggregate classification (germline): Pathogenic (1 of 4 stars; one submission).

Conditions:
Duchenne muscular dystrophy (DMD). Also called: MUSCULAR DYSTROPHY, PSEUDOHYPERTROPHIC PROGRESSIVE, DUCHENNE TYPE; Duchenne Muscular Dystrophy (DMD). Identifiers: Orphanet 98896, MedGen C0013264, MONDO:0010679, OMIM 310200.

Submission:

Labcorp Genetics (formerly Invitae), Labcorp
Classification: Pathogenic for Duchenne muscular dystrophy. Last evaluated: 2023-11-09. Review status: criteria provided, single submitter. Criteria: Invitae Variant Classification Sherloc (09022015). Collection method: clinical testing. Allele origin: unknown.
Comment: This variant results in a copy number gain of the genomic region encompassing exon(s) 20-29 of the DMD gene. While the exact position of this variant cannot be determined from the data, sub-genic copy number gains are generally in tandem (PMID: 25640679). This variant is predicted to be out-of-frame, and may result in an absent or disrupted protein product. Loss-of-function variants in DMD are known to be pathogenic (PMID: 16770791, 25007885). A similar copy number variant has been observed in individuals with Becker muscular dystrophy and/or Duchenne muscular dystrophy (PMID: 17854090; Invitae). For these reasons, this variant has been classified as Pathogenic.

Literature cited by the submitters: PubMed 25640679; PubMed 16770791; PubMed 25007885; PubMed 17854090.

NC_000023.10:g.(?_32456338)_(32509655_?)dup

Gene: DMD (dystrophin; minus strand). Cytogenetic location: Xp21.1.
Variant type: Duplication.
Identifiers: ClinVar variation 3242920 (VCV003242920.1).